The following is an entry in ClinVar:

NM_000038.6(APC):c.423-16_423-15inv

Gene: APC (APC regulator of Wnt signaling pathway; plus strand). Cytogenetic location: 5q22.2.
Variant type: Inversion.
Coding change: c.423-16_423-15inv on transcript NM_000038.6 (MANE Select).
Molecular consequence: intron variant.
Genome position: GRCh38 VCF-style: chr5-112775613-AA-TT. GRCh37 (hg19) VCF-style: chr5-112111310-AA-TT.
Other names: c.-613-16_-613-15inv (NM_001407470.1, NM_001407472.1, NM_001354906.2 and 1 more transcripts); c.423-16_423-15inv (NM_001407447.1, NM_001354895.2, NM_001407456.1 and 16 more transcripts); c.453-16_453-15inv (NM_001407446.1, NM_001354897.2, NM_001354902.2 and 1 more transcripts); c.246-16_246-15inv (NM_001407453.1, NM_001354900.2, NM_001354901.2 and 1 more transcripts); c.348-16_348-15inv (NM_001407451.1, NM_001354898.2, NM_001354904.2).
Identifiers: ClinVar variation 3148790 (VCV003148790.1), ClinGen allele CA2825001330.

ClinVar aggregate classification (germline): Likely benign (1 of 4 stars; one submission).

Conditions:
Familial adenomatous polyposis 1 (FAP1). Also called: POLYPOSIS, ADENOMATOUS INTESTINAL; FAMILIAL ADENOMATOUS POLYPOSIS 1, ATTENUATED. Identifiers: MedGen C2713442, MONDO:0021056, OMIM 175100. Disease mechanism: loss of function.

Submission:

Myriad Genetics, Inc.
Classification: Likely benign for Familial adenomatous polyposis 1. Last evaluated: 2024-02-23. Review status: criteria provided, single submitter. Criteria: Myriad Autosomal Dominant, Autosomal Recessive and X-Linked Classification Criteria (2023). Collection method: clinical testing. Allele origin: unknown.
Comment: This variant is considered likely benign. This variant is intronic and is not expected to impact mRNA splicing.